The following is an entry in ClinVar:

ClinVar aggregate classification (germline): Uncertain significance (1 of 4 stars; one submission).

Allele frequency attached by ClinVar (database versions not stated): TOPMed 0.00003.
gnomAD v4.1: 3 of 1,614,202 alleles (0.00019%); highest among the groups gnomAD compares: Non-Finnish European, 0.00025%; no homozygotes.

Submission:

Labcorp Genetics (formerly Invitae), Labcorp
Classification: Uncertain significance. Last evaluated: 2020-08-24. Review status: criteria provided, single submitter. Criteria: Invitae Variant Classification Sherloc (09022015). Collection method: clinical testing. Allele origin: germline.
Comment: In summary, the available evidence is currently insufficient to determine the role of this variant in disease. Therefore, it has been classified as a Variant of Uncertain Significance. Algorithms developed to predict the effect of missense changes on protein structure and function are either unavailable or do not agree on the potential impact of this missense change (SIFT: "Deleterious"; PolyPhen-2: "Benign"; Align-GVGD: "Class C0"). This variant has not been reported in the literature in individuals with IMPDH1-related conditions. This variant is present in population databases (rs762110519, ExAC 0.001%). This sequence change replaces arginine with threonine at codon 51 of the IMPDH1 protein (p.Arg51Thr). The arginine residue is weakly conserved and there is a moderate physicochemical difference between arginine and threonine.

NM_000883.4(IMPDH1):c.152G>C (p.Arg51Thr)

Gene: IMPDH1 (inosine monophosphate dehydrogenase 1; minus strand). Cytogenetic location: 7q32.1.
Variant type: single nucleotide variant.
Coding change: c.152G>C on transcript NM_000883.4 (MANE Select); coding-DNA position 152, G replaced by C.
Protein change: p.Arg51Thr; replaces arginine 51 with threonine.
Molecular consequence: missense variant. On other transcripts: intron variant (3).
Genome position (GRCh38, 1-based): chr7:128,409,479, C>G on the plus strand (G>C on the coding strand, the complement: IMPDH1 is on the minus strand). VCF-style: chr7-128409479-C-G. GRCh37 (hg19) VCF-style: chr7-128049533-C-G.
Other names: c.152G>C, p.Arg51Thr (NM_001142576.2); c.146+277G>C (NM_001304521.2, NM_183243.3); c.147-113G>C (NM_001102605.2); short protein forms R51T.
Identifiers: ClinVar variation 1023879 (VCV001023879.8), dbSNP rs762110519, ClinGen allele CA4471263.
Genomic context (GRCh38, chr7:128,409,479, plus strand): 5'-GAACCCCAGGAGTTGGAGCCACCTGAACGGGGTGTCGTCGGGTGTGTAGCGAGGTCCAAT[C>G]TAGGGCTAAGATTTTAGGGAAGGTTTTTACGACCTGTTCCCTCTCCTCCGCTCCCCCGTG-3'
Protein context (NP_000874.2, residues 41-61): LQAGYEPESP[Arg51Thr]LDLATHPTTP